The following is an entry in ClinVar:

NM_206937.2(LIG4):c.1751_1755del (p.Ile584fs)

Gene: LIG4 (DNA ligase 4; minus strand). Cytogenetic location: 13q33.3.
Variant type: Deletion.
Coding change: c.1751_1755del on transcript NM_206937.2 (MANE Select); coding-DNA positions 1751 to 1755, 5 bases deleted (TAAGA; older notation c.1751_1755delTAAGA).
Protein change: p.Ile584fs; shifts the reading frame from isoleucine 584.
Molecular consequence: frameshift variant.
Genome position (GRCh38, 1-based): chr13:108,209,514-108,209,518, TCTTA deleted on the plus strand (TAAGA on the coding strand, the reverse complement: LIG4 is on the minus strand); deleting any 5 consecutive bases within chr13:108,209,514-108,209,522 gives the same sequence; the c. name uses the placement nearest the transcript's 3' end. VCF-style (leftmost placement, unchanged base first): chr13-108209513-CTCTTA-C. GRCh37 (hg19) VCF-style: chr13-108861861-CTCTTA-C.
Other names: c.1751_1755del, p.Ile584fs (NM_001098268.2, NM_001352598.2, NM_001352599.2 and 6 more transcripts); c.1550_1554del, p.Ile517fs (NM_001330595.2); c.1787_1791del, p.Ile596fs (NM_001352604.2); c.1751_1755del5 (NM_002312.3); short protein forms I584fs, I596fs, I517fs.
Identifiers: ClinVar variation 285436 (VCV000285436.9), dbSNP rs770128720, ClinGen allele CA7043618.

ClinVar aggregate classification (germline): Pathogenic. Review status: criteria provided, multiple submitters, no conflicts (2 of 4 stars). 3 submissions from 3 submitters: Pathogenic (3). Last evaluated 2026-06-03.

Conditions:
DNA ligase IV deficiency. Identifiers: Orphanet 99812, MedGen C1847827, MONDO:0011686, OMIM 606593.
LIG4-related disorder. Also called: LIG4-related condition; LIG4-related disorders. Identifiers: MedGen CN239380.

Submissions (3):

PreventionGenetics, part of Exact Sciences
Classification: Pathogenic for LIG4-related condition. Last evaluated: 2026-06-03. Review status: criteria provided, single submitter. Criteria: ACMG Guidelines, 2015. Collection method: clinical testing. Allele origin: germline.
Comment: The LIG4 c.1751_1755del5 variant is predicted to result in a frameshift and premature protein termination (p.Ile584Argfs*2). This variant has been reported as compound heterozygous with a nonsense variant in an individual with myelodysplastic syndrome (Table S4, Zhang et al. 2015. PubMed ID: 25239263). This variant is reported in 0.0062% of alleles in individuals of African descent in gnomAD. Frameshift variants in LIG4 are expected to be pathogenic. This variant is interpreted as pathogenic.

Labcorp Genetics (formerly Invitae), Labcorp
Classification: Pathogenic for DNA ligase IV deficiency. Last evaluated: 2025-04-07. Review status: criteria provided, single submitter. Criteria: Invitae Variant Classification Sherloc (09022015). Collection method: clinical testing. Allele origin: germline.
Comment: This sequence change creates a premature translational stop signal (p.Ile584Argfs*2) in the LIG4 gene. While this is not anticipated to result in nonsense mediated decay, it is expected to disrupt the last 328 amino acid(s) of the LIG4 protein. This variant is present in population databases (rs770128720, gnomAD 0.002%). This premature translational stop signal has been observed in individual(s) with LIG4-related conditions (PMID: 25239263). ClinVar contains an entry for this variant (Variation ID: 285436). This variant disrupts a region of the LIG4 protein in which other variant(s) (p.Arg814*) have been determined to be pathogenic (PMID: 11779494, 16088910, 24123394, 25239263, 27063650, 27612988). This suggests that this is a clinically significant region of the protein, and that variants that disrupt it are likely to be disease-causing. For these reasons, this variant has been classified as Pathogenic.

Eurofins Ntd Llc (ga)
Classification: Pathogenic. Last evaluated: 2016-01-15. Review status: criteria provided, single submitter. Criteria: EGL Classification Definitions 2015. Collection method: clinical testing. Allele origin: germline. Observed: 1 variant allele, 1 heterozygote.

Literature cited by the submitters: PubMed 25239263 (cited by Labcorp Genetics (formerly Invitae), Labcorp); PubMed 11779494 (cited by Labcorp Genetics (formerly Invitae), Labcorp); PubMed 16088910 (cited by Labcorp Genetics (formerly Invitae), Labcorp); PubMed 24123394 (cited by Labcorp Genetics (formerly Invitae), Labcorp); PubMed 27063650 (cited by Labcorp Genetics (formerly Invitae), Labcorp); PubMed 27612988 (cited by Labcorp Genetics (formerly Invitae), Labcorp).